The following is an entry in ClinVar:

NM_001291415.2(KDM6A):c.3863A>G (p.Asn1288Ser)

Gene: KDM6A (lysine demethylase 6A; plus strand). Cytogenetic location: Xp11.3.
Variant type: single nucleotide variant.
Coding change: c.3863A>G on transcript NM_001291415.2 (MANE Select); coding-DNA position 3863, A replaced by G.
Protein change: p.Asn1288Ser; replaces asparagine 1288 with serine.
Molecular consequence: missense variant. On other transcripts: non-coding transcript variant (1).
Genome position (GRCh38, 1-based): chrX:45,089,901, A>G. VCF-style: chrX-45089901-A-G. GRCh37 (hg19) VCF-style: chrX-44949146-A-G.
Other names: c.3728A>G, p.Asn1243Ser (NM_001291416.2, NM_001419811.1); c.3572A>G, p.Asn1191Ser (NM_001291417.2); c.3470A>G, p.Asn1157Ser (NM_001291418.2, NM_001419815.1); c.2819A>G, p.Asn940Ser (NM_001291421.2); c.3605A>G, p.Asn1202Ser (NM_001410742.1, NM_001419814.1); c.3863A>G, p.Asn1288Ser (NM_001419809.1); c.3761A>G, p.Asn1254Ser (NM_001419810.1, NM_001419813.1); c.3707A>G, p.Asn1236Ser (NM_001419812.1, NM_021140.4); short protein forms N1157S, N1191S, N1202S, N1236S, N1243S, N1254S, N1288S, N940S.
Identifiers: ClinVar variation 3365892 (VCV003365892.2).
Genomic context (GRCh38, chrX:45,089,901, plus strand): 5'-ATTTGGTCTGGATAAATGCAGGCACTGTTCATTGGGTTCAGGCTATTGGCTGGTGCAACA[A>G]CATTGCTTGGAATGTTGGTCCACTTACAGGTATTATAAAGAATATGCTTTAAAAAAGTTA-3'
Protein context (NP_001278344.1, residues 1278-1298): HWVQAIGWCN[Asn1288Ser]IAWNVGPLTA

ClinVar aggregate classification (germline): Uncertain significance. Review status: criteria provided, multiple submitters, no conflicts (2 of 4 stars). 2 submissions from 2 submitters: Uncertain significance (2). Last evaluated 2025-07-13.

Conditions:
Kabuki syndrome 2 (KABUK2). Also called: KDM6A-Related Kabuki Syndrome. Identifiers: Orphanet 2322, MedGen C3275495, MONDO:0010465, OMIM 300867.

Submissions (2):

Labcorp Genetics (formerly Invitae), Labcorp
Classification: Uncertain significance for Kabuki syndrome 2. Last evaluated: 2025-07-13. Review status: criteria provided, single submitter. Criteria: Invitae Variant Classification Sherloc (09022015). Collection method: clinical testing. Allele origin: germline.
Comment: This sequence change replaces asparagine, which is neutral and polar, with serine, which is neutral and polar, at codon 1236 of the KDM6A protein (p.Asn1236Ser). This variant is not present in population databases (gnomAD no frequency). This variant has not been reported in the literature in individuals affected with KDM6A-related conditions. ClinVar contains an entry for this variant (Variation ID: 3365892). Invitae Evidence Modeling of protein sequence and biophysical properties (such as structural, functional, and spatial information, amino acid conservation, physicochemical variation, residue mobility, and thermodynamic stability) indicates that this missense variant is expected to disrupt KDM6A protein function with a positive predictive value of 80%. In summary, the available evidence is currently insufficient to determine the role of this variant in disease. Therefore, it has been classified as a Variant of Uncertain Significance.

GeneDx
Classification: Uncertain significance. Last evaluated: 2024-01-03. Review status: criteria provided, single submitter. Criteria: GeneDx Variant Classification Process June 2021. Collection method: clinical testing. Allele origin: germline. Affected: yes.
Comment: Not observed at significant frequency in large population cohorts (gnomAD); In silico analysis supports that this missense variant has a deleterious effect on protein structure/function; Has not been previously published as pathogenic or benign to our knowledge